The following is an entry in ClinVar:

NM_000127.3(EXT1):c.1944del (p.Gln648fs)

Gene: EXT1 (exostosin glycosyltransferase 1; minus strand). Cytogenetic location: 8q24.11.
Variant type: Deletion.
Coding change: c.1944del on transcript NM_000127.3 (MANE Select); coding-DNA position 1944, one base deleted (A; older notation c.1944delA).
Protein change: p.Gln648fs; shifts the reading frame from glutamine 648.
Molecular consequence: frameshift variant.
Genome position (GRCh38, 1-based): chr8:117,804,833, T deleted on the plus strand (A on the coding strand, the reverse complement: EXT1 is on the minus strand); the first of 2 consecutive T bases (chr8:117,804,833-117,804,834); deleting either gives the same sequence. VCF-style (leftmost placement, unchanged base first): chr8-117804832-AT-A. GRCh37 (hg19) VCF-style: chr8-118817071-AT-A.
Other names: c.1944delA (NM_000127.2); short protein forms Q648fs.
Identifiers: ClinVar variation 659671 (VCV000659671.6), dbSNP rs1586989202, ClinGen allele CA915948694.
Genomic context (GRCh38, chr8:117,804,832, plus strand): 5'-GAGGCAATTTTGTCACAGCAGACACCAGGAAGTTCATGAGAATGTCCTCACAATTGGCCA[AT>A]TGGTCCACCATGTTCTTCAGGCTGGCTGGCAGGTAATGGGAGTATAGGTAGTGATAATAT-3'

ClinVar aggregate classification (germline): Pathogenic (1 of 4 stars; one submission).

Conditions:
Multiple congenital exostosis (EXT). Also called: Hereditary multiple exostoses; Hereditary multiple exostosis; Hereditary multiple osteochondromas; MULTIPLE CARTILAGINOUS EXOSTOSES; Multiple exostoses; Multiple osteochondromas. Identifiers: Orphanet 321, MedGen C0015306, MONDO:0005508, HP:0002762.

Submission:

Labcorp Genetics (formerly Invitae), Labcorp
Classification: Pathogenic for Multiple congenital exostosis. Last evaluated: 2018-11-03. Review status: criteria provided, single submitter. Criteria: Invitae Variant Classification Sherloc (09022015). Collection method: clinical testing. Allele origin: germline.
Comment: For these reasons, this variant has been classified as Pathogenic. This sequence change creates a premature translational stop signal (p.Gln648Hisfs*10) in the EXT1 gene. It is expected to result in an absent or disrupted protein product. This variant is not present in population databases (ExAC no frequency). This variant has not been reported in the literature in individuals with EXT1-related disease. Loss-of-function variants in EXT1 are known to be pathogenic (PMID: 10679937, 11391482, 19810120).

Literature cited by the submitters: PubMed 10679937; PubMed 11391482; PubMed 19810120.